The following is an entry in ClinVar:

ClinVar aggregate classification (germline): Likely benign (1 of 4 stars; one submission).

Conditions:
Multiple endocrine neoplasia type 2A. Also called: Multiple Endocrine Neoplasia Type 2A (MEN2A); MULTIPLE ENDOCRINE NEOPLASIA, TYPE IIA; PTC SYNDROME; SIPPLE SYNDROME; MEN 2A; MEN-2A syndrome. Identifiers: Orphanet 247698, Orphanet 653, MedGen C0025268, MeSH D018813, MONDO:0008234, OMIM 171400.

Submission:

Myriad Genetics, Inc.
Classification: Likely benign for Multiple endocrine neoplasia type 2A. Last evaluated: 2025-02-27. Review status: criteria provided, single submitter. Criteria: Myriad Autosomal Dominant, Autosomal Recessive and X-Linked Classification Criteria (2023). Collection method: clinical testing. Allele origin: unknown.
Comment: This variant is considered likely benign. This variant is intronic and is not expected to impact mRNA splicing.

NM_020975.6(RET):c.2608-4A>G

Gene: RET (ret proto-oncogene; plus strand). Cytogenetic location: 10q11.21.
Variant type: single nucleotide variant.
Coding change: c.2608-4A>G on transcript NM_020975.6 (MANE Select); 4 bases into the intron before coding-DNA position 2608, A replaced by G.
Molecular consequence: intron variant.
Genome position (GRCh38, 1-based): chr10:43,120,077, A>G. VCF-style: chr10-43120077-A-G. GRCh37 (hg19) VCF-style: chr10-43615525-A-G.
Other names: c.2608-4A>G (NM_020630.7, NM_001406743.1, NM_001406744.1 and 2 more transcripts); c.2473-4A>G (NM_001406765.1, NM_001406763.1); c.2212-4A>G (NM_001406772.1, NM_001406769.1); c.2170-4A>G (NM_001406773.1, NM_001406771.1); c.1711-4A>G (NM_001406782.1, NM_001406780.1, NM_001406779.1 and 1 more transcripts); c.1576-4A>G (NM_001406787.1); c.1591-4A>G (NM_001406785.1); c.2479-4A>G (NM_001406764.1, NM_001406762.1, NM_001406761.1); and 10 more.
Identifiers: ClinVar variation 3904665 (VCV003904665.1).